The following is an entry in ClinVar:

ClinVar aggregate classification (germline): Uncertain significance. Review status: criteria provided, single submitter (1 of 4 stars). 2 submissions from 2 submitters: Uncertain significance (1). 1 of the submissions does not count toward it. Last evaluated 2021-09-27.

Conditions:
MEPE-related disorder. Also called: MEPE-related condition.

Allele frequency attached by ClinVar (database versions not stated): gnomAD exomes 0.00014; gnomAD 0.00016; ESP Exome Variant Server 0.00023; TOPMed 0.00023; ExAC 0.00026.
gnomAD v4.1: 250 of 1,613,814 alleles (0.015%); highest among the groups gnomAD compares: Admixed American, 0.03%; no homozygotes.

Submissions (2):

Ambry Genetics
Classification: Uncertain significance. Last evaluated: 2021-09-27. Review status: criteria provided, single submitter. Criteria: Ambry Variant Classification Scheme 2023. Collection method: clinical testing. Allele origin: germline.

PreventionGenetics, part of Exact Sciences
Classification: Likely benign for MEPE-related condition. Last evaluated: 2020-05-21. Review status: no assertion criteria provided. Collection method: clinical testing. Allele origin: germline. Not counted in ClinVar's aggregate classification.
Comment: This variant is classified as likely benign based on ACMG/AMP sequence variant interpretation guidelines (Richards et al. 2015 PMID: 25741868, with internal and published modifications).

NM_020203.6(MEPE):c.353C>T (p.Pro118Leu)

Genes: MEPE (matrix extracellular phosphoglycoprotein; plus strand), MEPE-AS1 (MEPE and IBSP antisense RNA 1; minus strand). Cytogenetic location: 4q22.1.
Variant type: single nucleotide variant.
Coding change: c.353C>T on transcript NM_020203.6 (MANE Select); coding-DNA position 353, C replaced by T.
Protein change: p.Pro118Leu; replaces proline 118 with leucine.
Molecular consequence: missense variant.
Genome position (GRCh38, 1-based): chr4:87,845,221, C>T. VCF-style: chr4-87845221-C-T. GRCh37 (hg19) VCF-style: chr4-88766373-C-T.
Other names: c.353C>T, p.Pro118Leu (NM_001184694.3); c.14C>T, p.Pro5Leu (NM_001184695.4, NM_001184696.2, NM_001184697.2); c.446C>T, p.Pro149Leu (NM_001291183.2); c.446C>T (NM_001291183.1); short protein forms P149L, P5L, P118L.
Identifiers: ClinVar variation 2361971 (VCV002361971.4), dbSNP rs201213159, ClinGen allele CA3002639.
Genomic context (GRCh38, chr4:87,845,221, plus strand): 5'-AAGAATATAGTATCAGTAACAAAGAGAATACTCACAATGGCCTGAGGATGTCAATTTATC[C>T]TAAGTCAACTGGGAATAAAGGGTTTGAGGATGGAGATGATGCTATCAGCAAACTACATGA-3'
Protein context (NP_064588.1, residues 108-128): THNGLRMSIY[Pro118Leu]KSTGNKGFED